The following is an entry in ClinVar:

NM_017763.6(RNF43):c.1647C>A (p.His549Gln)

Gene: RNF43 (ring finger protein 43; minus strand). Cytogenetic location: 17q22.
Variant type: single nucleotide variant.
Coding change: c.1647C>A on transcript NM_017763.6 (MANE Select); coding-DNA position 1647, C replaced by A.
Protein change: p.His549Gln; replaces histidine 549 with glutamine.
Molecular consequence: missense variant.
Genome position (GRCh38, 1-based): chr17:58,358,129, G>T on the plus strand (C>A on the coding strand, the complement: RNF43 is on the minus strand). VCF-style: chr17-58358129-G-T. GRCh37 (hg19) VCF-style: chr17-56435490-G-T.
Other names: c.1647C>A, p.His549Gln (NM_001305544.3, NM_001438820.1, NM_001438821.1 and 1 more transcripts); c.1266C>A, p.His422Gln (NM_001305545.2, NM_001437987.1); short protein forms H549Q, H422Q.
Identifiers: ClinVar variation 4155753 (VCV004155753.1).

ClinVar aggregate classification (germline): Uncertain significance (1 of 4 stars; one submission).

gnomAD v4.1: 1 of 1,613,248 alleles (0.000062%); highest among the groups gnomAD compares: Non-Finnish European, 0.000085%; no homozygotes.

Submission:

Ambry Genetics
Classification: Uncertain significance. Last evaluated: 2025-07-17. Review status: criteria provided, single submitter. Criteria: Ambry Variant Classification Scheme 2023. Collection method: clinical testing. Allele origin: germline.
Comment: The p.H549Q variant (also known as c.1647C>A), located in coding exon 8 of the RNF43 gene, results from a C to A substitution at nucleotide position 1647. The histidine at codon 549 is replaced by glutamine, an amino acid with highly similar properties. This amino acid position is conserved. In addition, this alteration is predicted to be tolerated by in silico analysis. Based on the available evidence, the clinical significance of this variant remains unclear.